The following is an entry in ClinVar:

ClinVar aggregate classification (germline): Uncertain significance (1 of 4 stars; one submission).

Conditions:
Duchenne muscular dystrophy (DMD). Also called: MUSCULAR DYSTROPHY, PSEUDOHYPERTROPHIC PROGRESSIVE, DUCHENNE TYPE; Duchenne Muscular Dystrophy (DMD). Identifiers: Orphanet 98896, MedGen C0013264, MONDO:0010679, OMIM 310200.

Submission:

Labcorp Genetics (formerly Invitae), Labcorp
Classification: Uncertain significance for Duchenne muscular dystrophy. Last evaluated: 2024-09-03. Review status: criteria provided, single submitter. Criteria: Invitae Variant Classification Sherloc (09022015). Collection method: clinical testing. Allele origin: germline.
Comment: This sequence change replaces isoleucine, which is neutral and non-polar, with threonine, which is neutral and polar, at codon 1896 of the DMD protein (p.Ile1896Thr). This variant is not present in population databases (gnomAD no frequency). This variant has not been reported in the literature in individuals affected with DMD-related conditions. Invitae Evidence Modeling of protein sequence and biophysical properties (such as structural, functional, and spatial information, amino acid conservation, physicochemical variation, residue mobility, and thermodynamic stability) indicates that this missense variant is not expected to disrupt DMD protein function with a negative predictive value of 95%. In summary, the available evidence is currently insufficient to determine the role of this variant in disease. Therefore, it has been classified as a Variant of Uncertain Significance.

NM_004006.3(DMD):c.5687T>C (p.Ile1896Thr)

Gene: DMD (dystrophin; minus strand). Cytogenetic location: Xp21.1.
Variant type: single nucleotide variant.
Coding change: c.5687T>C on transcript NM_004006.3 (MANE Select); coding-DNA position 5687, T replaced by C.
Protein change: p.Ile1896Thr; replaces isoleucine 1896 with threonine.
Molecular consequence: missense variant.
Genome position (GRCh38, 1-based): chrX:32,343,186, A>G on the plus strand (T>C on the coding strand, the complement: DMD is on the minus strand). VCF-style: chrX-32343186-A-G. GRCh37 (hg19) VCF-style: chrX-32361303-A-G.
Other names: c.5663T>C, p.Ile1888Thr (NM_000109.4); c.5675T>C, p.Ile1892Thr (NM_004009.3); c.5318T>C, p.Ile1773Thr (NM_004010.3); c.1664T>C, p.Ile555Thr (NM_004011.4); c.1655T>C, p.Ile552Thr (NM_004012.4); short protein forms I1888T, I552T, I1773T, I555T, I1892T, I1896T.
Identifiers: ClinVar variation 3667858 (VCV003667858.2).